The following is an entry in ClinVar:

ClinVar aggregate classification (germline): Uncertain significance (1 of 4 stars; one submission).

Conditions:
Familial cancer of breast. Also called: hereditary breast carcinoma; BREAST CANCER, FAMILIAL; Hereditary breast cancer. Identifiers: Orphanet 227535, MedGen C0346153, MONDO:0016419, OMIM 114480. Disease mechanism: loss of function.

Submission:

Labcorp Genetics (formerly Invitae), Labcorp
Classification: Uncertain significance for Familial cancer of breast. Last evaluated: 2024-10-16. Review status: criteria provided, single submitter. Criteria: Invitae Variant Classification Sherloc (09022015). Collection method: clinical testing. Allele origin: germline.
Comment: This sequence change replaces proline, which is neutral and non-polar, with leucine, which is neutral and non-polar, at codon 224 of the PALB2 protein (p.Pro224Leu). This variant is not present in population databases (gnomAD no frequency). This variant has not been reported in the literature in individuals affected with PALB2-related conditions. ClinVar contains an entry for this variant (Variation ID: 2109807). An algorithm developed to predict the effect of missense changes on protein structure and function outputs the following: PolyPhen-2: "Benign". The leucine amino acid residue is found in multiple mammalian species, which suggests that this missense change does not adversely affect protein function. In summary, the available evidence is currently insufficient to determine the role of this variant in disease. Therefore, it has been classified as a Variant of Uncertain Significance.

NM_024675.4(PALB2):c.671C>T (p.Pro224Leu)

Gene: PALB2 (partner and localizer of BRCA2; minus strand). Cytogenetic location: 16p12.2.
Variant type: single nucleotide variant.
Coding change: c.671C>T on transcript NM_024675.4 (MANE Select); coding-DNA position 671, C replaced by T.
Protein change: p.Pro224Leu; replaces proline 224 with leucine.
Molecular consequence: missense variant.
Genome position (GRCh38, 1-based): chr16:23,635,875, G>A on the plus strand (C>T on the coding strand, the complement: PALB2 is on the minus strand). VCF-style: chr16-23635875-G-A. GRCh37 (hg19) VCF-style: chr16-23647196-G-A.
Other names: c.611C>T, p.Pro204Leu (NM_001407296.1); c.671C>T, p.Pro224Leu (NM_001407297.1, NM_001407298.1, NM_001407299.1 and 3 more transcripts); c.-215C>T (NM_001407304.1, NM_001407305.1, NM_001407306.1 and 5 more transcripts); short protein forms P204L, P224L.
Identifiers: ClinVar variation 2109807 (VCV002109807.4), dbSNP rs1597098606, ClinGen allele CA395136442.